The following is an entry in ClinVar:

ClinVar aggregate classification (germline): Pathogenic (1 of 4 stars; one submission).

Conditions:
Intellectual developmental disorder with autism and macrocephaly. Also called: Autism, susceptibility to, 18; CHD8-Related Neurodevelopmental Disorder with Overgrowth. Identifiers: Orphanet 642675, MedGen C3554373, MONDO:0014017, OMIM 615032.

Submission:

Baylor Genetics
Classification: Pathogenic for Intellectual developmental disorder with autism and macrocephaly. Last evaluated: 2017-09-01. Review status: criteria provided, single submitter. Criteria: ACMG Guidelines, 2015. Collection method: clinical testing. Allele origin: de novo. Inheritance: Autosomal dominant inheritance. Affected: yes.
Comment: This frameshift mutation is categorized as deleterious according to ACMG guidelines (PMID:18414213).

Literature cited by the submitters: PubMed 25326635.

NM_001170629.2(CHD8):c.2565del (p.Asn855fs)

Gene: CHD8 (chromodomain helicase DNA binding protein 8; minus strand). Cytogenetic location: 14q11.2.
Variant type: Deletion.
Coding change: c.2565del on transcript NM_001170629.2 (MANE Select); coding-DNA position 2565, one base deleted (T; older notation c.2565delT).
Protein change: p.Asn855fs; shifts the reading frame from asparagine 855.
Molecular consequence: frameshift variant.
Genome position (GRCh38, 1-based): chr14:21,408,477, A deleted on the plus strand (T on the coding strand, the reverse complement: CHD8 is on the minus strand). VCF-style (leftmost placement, unchanged base first): chr14-21408476-CA-C. GRCh37 (hg19) VCF-style: chr14-21876635-CA-C.
Other names: c.1728del, p.Asn576fs (NM_020920.4); short protein forms N576fs, N855fs.
Identifiers: ClinVar variation 560977 (VCV000560977.2), dbSNP rs1566427770, ClinGen allele CA658823750.
Genomic context (GRCh38, chr14:21,408,476, plus strand): 5'-GCTCCCAGTTAGTAATTGTGGACAGTGGGGCAATGACCAAGAAGGGACCATGGATGCCCA[CA>C]TTATATACTTCCTGCAAGAAGGCAATGGACTGAATAGTTTTGCCCAATCCCATCTCATCA-3'